The following is an entry in ClinVar:

NM_001848.3(COL6A1):c.2434+55G>A

Gene: COL6A1 (collagen type VI alpha 1 chain; plus strand). Cytogenetic location: 21q22.3.
Variant type: single nucleotide variant.
Coding change: c.2434+55G>A on transcript NM_001848.3 (MANE Select); 55 bases into the intron after coding-DNA position 2434, G replaced by A.
Molecular consequence: intron variant.
Genome position (GRCh38, 1-based): chr21:46,002,765, G>A. VCF-style: chr21-46002765-G-A. GRCh37 (hg19) VCF-style: chr21-47422679-G-A.
Identifiers: ClinVar variation 93856 (VCV000093856.6), dbSNP rs2236487, ClinGen allele CA147372.

ClinVar aggregate classification (germline): Benign. Review status: criteria provided, multiple submitters, no conflicts (2 of 4 stars). 3 submissions from 3 submitters: Benign (3). Last evaluated 2018-06-14.

Allele frequency attached by ClinVar (database versions not stated): gnomAD 0.29790 and 0.30751; TOPMed 0.30193; 1000 Genomes Project 0.37021.
gnomAD v4.1: 508,098 of 1,487,522 alleles (34%); highest among the groups gnomAD compares: East Asian, 62%; 96,005 homozygotes.

Submissions (3):

GeneDx
Classification: Benign. Last evaluated: 2018-06-14. Review status: criteria provided, single submitter. Criteria: GeneDx Variant Classification (06012015). Collection method: clinical testing. Allele origin: germline. Affected: yes.
Comment: This variant is considered likely benign or benign based on one or more of the following criteria: it is a conservative change, it occurs at a poorly conserved position in the protein, it is predicted to be benign by multiple in silico algorithms, and/or has population frequency not consistent with disease.

Eurofins Ntd Llc (ga)
Classification: Benign. Last evaluated: 2012-08-23. Review status: criteria provided, single submitter. Criteria: EGL Classification Definitions 2015. Collection method: clinical testing. Allele origin: germline. Observed: 3 variant alleles, 3 heterozygotes.

Breakthrough Genomics
Classification: Benign. Review status: criteria provided, single submitter. Criteria: ACMG Guidelines, 2015. Collection method: not provided. Allele origin: germline. Inheritance: Autosomal recessive inheritance. Affected: yes.